The following is an entry in ClinVar:

ClinVar aggregate classification (germline): Uncertain significance (1 of 4 stars; one submission).

Conditions:
Episodic ataxia type 1 (EA1). Also called: PAROXYSMAL ATAXIA WITH NEUROMYOTONIA, HEREDITARY; Episodic ataxia/myokymia syndrome; ATAXIA, EPISODIC, WITH MYOKYMIA; MYOKYMIA WITH PERIODIC ATAXIA. Identifiers: Orphanet 37612, Orphanet 972, MedGen C1719788, MONDO:0008047, OMIM 160120.

Allele frequency attached by ClinVar (database versions not stated): ExAC 0.00001; gnomAD 0.00001; TOPMed 0.00002.

Submission:

Labcorp Genetics (formerly Invitae), Labcorp
Classification: Uncertain significance for Episodic ataxia type 1. Last evaluated: 2023-02-25. Review status: criteria provided, single submitter. Criteria: Invitae Variant Classification Sherloc (09022015). Collection method: clinical testing. Allele origin: germline.
Comment: This sequence change replaces valine, which is neutral and non-polar, with isoleucine, which is neutral and non-polar, at codon 430 of the KCNA1 protein (p.Val430Ile). This variant is present in population databases (rs749598869, gnomAD 0.01%). This variant has not been reported in the literature in individuals affected with KCNA1-related conditions. Advanced modeling of protein sequence and biophysical properties (such as structural, functional, and spatial information, amino acid conservation, physicochemical variation, residue mobility, and thermodynamic stability) performed at Invitae indicates that this missense variant is not expected to disrupt KCNA1 protein function. In summary, the available evidence is currently insufficient to determine the role of this variant in disease. Therefore, it has been classified as a Variant of Uncertain Significance.

NM_000217.3(KCNA1):c.1288G>A (p.Val430Ile)

Gene: KCNA1 (potassium voltage-gated channel subfamily A member 1; plus strand). Cytogenetic location: 12p13.32.
Variant type: single nucleotide variant.
Coding change: c.1288G>A on transcript NM_000217.3 (MANE Select); coding-DNA position 1288, G replaced by A.
Protein change: p.Val430Ile; replaces valine 430 with isoleucine.
Molecular consequence: missense variant.
Genome position (GRCh38, 1-based): chr12:4,912,666, G>A. VCF-style: chr12-4912666-G-A. GRCh37 (hg19) VCF-style: chr12-5021832-G-A.
Other names: short protein forms V430I.
Identifiers: ClinVar variation 2781252 (VCV002781252.3), dbSNP rs749598869, ClinGen allele CA6399485.
Genomic context (GRCh38, chr12:4,912,666, plus strand): 5'-AATTTCAACTATTTCTACCACCGAGAAACTGAGGGGGAAGAGCAGGCTCAGTTGCTCCAC[G>A]TCAGTTCCCCTAACTTAGCCTCTGACAGTGACCTCAGTCGCCGCAGTTCCTCTACTATGA-3'
Protein context (NP_000208.2, residues 420-440): EGEEQAQLLH[Val430Ile]SSPNLASDSD